The following is an entry in ClinVar:

NM_005585.5(SMAD6):c.399C>T (p.Asp133=)

Gene: SMAD6 (SMAD family member 6; plus strand). Cytogenetic location: 15q22.31.
Variant type: single nucleotide variant.
Coding change: c.399C>T on transcript NM_005585.5 (MANE Select); coding-DNA position 399, C replaced by T.
Protein change: p.Asp133=; no amino-acid change (aspartic acid 133 retained).
Molecular consequence: synonymous variant. On other transcripts: non-coding transcript variant (1).
Genome position (GRCh38, 1-based): chr15:66,703,657, C>T. VCF-style: chr15-66703657-C-T. GRCh37 (hg19) VCF-style: chr15-66995995-C-T.
Identifiers: ClinVar variation 413449 (VCV000413449.14), dbSNP rs760472203, ClinGen allele CA7626462.
Genomic context (GRCh38, chr15:66,703,657, plus strand): 5'-GGGCTGGCTGCCCGAGAGTGACTGCGAGACGGTGACCTGCTGTCTCTTTTCGGAGCGGGA[C>T]GCCGCCGGCGCGCCCCGGGACGCCAGCGACCCCCTGGCCGGGGCGGCCCTGGAGCCGGCG-3'
Protein context (NP_005576.3, residues 123-143): TVTCCLFSER[Asp133=]AAGAPRDASD

ClinVar aggregate classification (germline): Likely benign. Review status: criteria provided, multiple submitters, no conflicts (2 of 4 stars). 4 submissions from 4 submitters: Likely benign (4). Last evaluated 2026-09-02.

Conditions:
Aortic valve disease 2 (AOVD2). Identifiers: MedGen C3542024, MONDO:0013902, OMIM 614823.
SMAD6-related disease. Also called: SMAD6-related condition; SMAD6-related disorder. Identifiers: MedGen CN381596, MONDO:0700324.
Inborn genetic diseases. Identifiers: MedGen C0950123, MeSH D030342.

Allele frequency attached by ClinVar (database versions not stated): ExAC below 0.00001; gnomAD exomes 0.00011; gnomAD 0.00003; TOPMed 0.00003.
gnomAD v4.1: 125 of 1,230,628 alleles (0.01%); highest among the groups gnomAD compares: Non-Finnish European, 0.012%; no homozygotes.

Submissions (4):

Ambry Genetics
Classification: Likely benign for Inborn genetic diseases. Last evaluated: 2026-09-02. Review status: criteria provided, single submitter. Criteria: Ambry Variant Classification Scheme 2023. Collection method: clinical testing. Allele origin: germline.

Labcorp Genetics (formerly Invitae), Labcorp
Classification: Likely benign for Aortic valve disease 2. Last evaluated: 2025-12-09. Review status: criteria provided, single submitter. Criteria: Invitae Variant Classification Sherloc (09022015). Collection method: clinical testing. Allele origin: germline.

PreventionGenetics, part of Exact Sciences
Classification: Likely benign for SMAD6-related condition. Last evaluated: 2025-06-25. Review status: criteria provided, single submitter. Criteria: ACMG Guidelines, 2015. Collection method: clinical testing. Allele origin: germline.
Comment: This variant is classified as likely benign based on ACMG/AMP sequence variant interpretation guidelines (Richards et al. 2015 PMID: 25741868, with internal and published modifications).

Blueprint Genetics
Classification: Likely benign. Last evaluated: 2020-12-08. Review status: criteria provided, single submitter. Criteria: ACMG Guidelines, 2015. Collection method: clinical testing. Allele origin: germline.